The following is an entry in ClinVar:

NM_000052.7(ATP7A):c.3671G>T (p.Gly1224Val)

Gene: ATP7A (ATPase copper transporting alpha; plus strand). Cytogenetic location: Xq21.1.
Variant type: single nucleotide variant.
Coding change: c.3671G>T on transcript NM_000052.7 (MANE Select); coding-DNA position 3671, G replaced by T.
Protein change: p.Gly1224Val; replaces glycine 1224 with valine.
Molecular consequence: missense variant. On other transcripts: non-coding transcript variant (1).
Genome position (GRCh38, 1-based): chrX:78,040,603, G>T. VCF-style: chrX-78040603-G-T. GRCh37 (hg19) VCF-style: chrX-77296101-G-T.
Other names: c.3437G>T, p.Gly1146Val (NM_001282224.2); short protein forms G1146V, G1224V.
Identifiers: ClinVar variation 3762952 (VCV003762952.2).

ClinVar aggregate classification (germline): Uncertain significance (1 of 4 stars; one submission).

Conditions:
Menkes kinky-hair syndrome (MNK). Also called: Copper transport disease; Menkes Disease; Classic Menkes Disease. Identifiers: Orphanet 565, MedGen C0022716, MONDO:0010651, OMIM 309400.
Cutis laxa, X-linked (OHS). Also called: EDS IX; Occipital horn syndrome. Identifiers: Orphanet 198, MedGen C0268353, MONDO:0010572, OMIM 304150.
X-linked distal spinal muscular atrophy type 3. Also called: NEURONOPATHY, DISTAL HEREDITARY MOTOR, X-LINKED; NEUROPATHY, DISTAL HEREDITARY MOTOR, X-LINKED; ATP7A-Related Distal Motor Neuropathy; SPINAL MUSCULAR ATROPHY, DISTAL, X-LINKED RECESSIVE. Identifiers: Orphanet 139557, MedGen C1845359, MONDO:0010338, OMIM 300489.

gnomAD v4.1: 2 of 1,210,981 alleles (0.00017%); highest among the groups gnomAD compares: African/African-American, 0.0035%; no homozygotes.

Submission:

Labcorp Genetics (formerly Invitae), Labcorp
Classification: Uncertain significance for X-linked distal spinal muscular atrophy type 3; Cutis laxa, X-linked; Menkes kinky-hair syndrome. Last evaluated: 2024-05-27. Review status: criteria provided, single submitter. Criteria: Invitae Variant Classification Sherloc (09022015). Collection method: clinical testing. Allele origin: germline.
Comment: This sequence change replaces glycine, which is neutral and non-polar, with valine, which is neutral and non-polar, at codon 1224 of the ATP7A protein (p.Gly1224Val). This variant is not present in population databases (gnomAD no frequency). This variant has not been reported in the literature in individuals affected with ATP7A-related conditions. Advanced modeling of protein sequence and biophysical properties (such as structural, functional, and spatial information, amino acid conservation, physicochemical variation, residue mobility, and thermodynamic stability) performed at Invitae indicates that this missense variant is not expected to disrupt ATP7A protein function with a negative predictive value of 95%. Algorithms developed to predict the effect of sequence changes on RNA splicing suggest that this variant may disrupt the consensus splice site. In summary, the available evidence is currently insufficient to determine the role of this variant in disease. Therefore, it has been classified as a Variant of Uncertain Significance.